The following is an entry in ClinVar:

NM_015100.4(POGZ):c.296T>C (p.Leu99Ser)

Gene: POGZ (pogo transposable element derived with ZNF domain; minus strand). Cytogenetic location: 1q21.3.
Variant type: single nucleotide variant.
Coding change: c.296T>C on transcript NM_015100.4 (MANE Select); coding-DNA position 296, T replaced by C.
Protein change: p.Leu99Ser; replaces leucine 99 with serine.
Molecular consequence: missense variant. On other transcripts: intron variant (1).
Genome position (GRCh38, 1-based): chr1:151,430,829, A>G on the plus strand (T>C on the coding strand, the complement: POGZ is on the minus strand). VCF-style: chr1-151430829-A-G. GRCh37 (hg19) VCF-style: chr1-151403305-A-G.
Other names: c.296T>C, p.Leu99Ser (NM_001194937.2); c.137T>C, p.Leu46Ser (NM_001194938.2, NM_207171.2); c.284-2416T>C (NM_145796.4); short protein forms L46S, L99S.
Identifiers: ClinVar variation 1331544 (VCV001331544.4), dbSNP rs1658557379, ClinGen allele CA341982760.

ClinVar aggregate classification (germline): Uncertain significance (1 of 4 stars; one submission).

Allele frequency attached by ClinVar (database versions not stated): gnomAD exomes below 0.00001.
gnomAD v4.1: 2 of 1,565,930 alleles (0.00013%); highest among the groups gnomAD compares: South Asian, 0.0012%; no homozygotes.

Submission:

Greenwood Genetic Center Diagnostic Laboratories, Greenwood Genetic Center
Classification: Uncertain significance. Last evaluated: 2020-12-14. Review status: criteria provided, single submitter. Criteria: ACMG Guidelines, 2015. Collection method: clinical testing. Allele origin: germline. Affected: yes.
Comment: PM2